The following is an entry in ClinVar:

NM_001267550.2(TTN):c.101768T>C (p.Val33923Ala)

Genes: TTN-AS1 (TTN antisense RNA 1; plus strand), TTN (titin; minus strand). Cytogenetic location: 2q31.2.
Variant type: single nucleotide variant.
Coding change: c.101768T>C on transcript NM_001267550.2 (MANE Select); coding-DNA position 101768, T replaced by C.
Protein change: p.Val33923Ala; replaces valine 33923 with alanine.
Molecular consequence: missense variant.
Genome position (GRCh38, 1-based): chr2:178,534,847, A>G on the plus strand (T>C on the coding strand, the complement: TTN is on the minus strand). VCF-style: chr2-178534847-A-G. GRCh37 (hg19) VCF-style: chr2-179399574-A-G.
Other names: c.96845T>C, p.Val32282Ala (NM_001256850.1); c.74573T>C, p.Val24858Ala (NM_003319.4); c.94064T>C, p.Val31355Ala (NM_133378.4); c.74948T>C, p.Val24983Ala (NM_133432.3); c.75149T>C, p.Val25050Ala (NM_133437.4); short protein forms V24858A, V33923A, V31355A, V25050A, V32282A, V24983A.
Identifiers: ClinVar variation 2946892 (VCV002946892.3), dbSNP rs2468550725, ClinGen allele CA349419586.

ClinVar aggregate classification (germline): Uncertain significance (1 of 4 stars; one submission).

Conditions:
Dilated cardiomyopathy 1G (CMD1G). Identifiers: Orphanet 154, MedGen C1858763, MONDO:0011400, OMIM 604145.
Autosomal recessive limb-girdle muscular dystrophy type 2J (LGMDR10). Also called: Limb-girdle muscular dystrophy, type 2J; MUSCULAR DYSTROPHY, LIMB-GIRDLE, AUTOSOMAL RECESSIVE 10. Identifiers: Orphanet 140922, MedGen C1837342, MONDO:0012127, OMIM 608807.

Submission:

Labcorp Genetics (formerly Invitae), Labcorp
Classification: Uncertain significance for Dilated cardiomyopathy 1G; Autosomal recessive limb-girdle muscular dystrophy type 2J. Last evaluated: 2023-04-18. Review status: criteria provided, single submitter. Criteria: Invitae Variant Classification Sherloc (09022015). Collection method: clinical testing. Allele origin: germline.
Comment: This variant is located in the M band of TTN (PMID: 25589632). Variants in this region may be relevant for neuromuscular disorders, but have not been definitively shown to cause cardiomyopathy (PMID: 23975875). In summary, the available evidence is currently insufficient to determine the role of this variant in disease. Therefore, it has been classified as a Variant of Uncertain Significance. Experimental studies and prediction algorithms are not available or were not evaluated, and the functional significance of this variant is currently unknown. This variant has not been reported in the literature in individuals affected with TTN-related conditions. This variant is not present in population databases (gnomAD no frequency). This sequence change replaces valine, which is neutral and non-polar, with alanine, which is neutral and non-polar, at codon 33923 of the TTN protein (p.Val33923Ala).

Literature cited by the submitters: PubMed 25589632; PubMed 23975875.